The following is an entry in ClinVar:

ClinVar aggregate classification (germline): Uncertain significance (1 of 4 stars; one submission).

Conditions:
Arrhythmogenic right ventricular cardiomyopathy (ARVD). Also called: Arrhythmogenic right ventricular dysplasia; Cardiomyopathy, ARVC; Arrhythmogenic cardiomyopathy; Arrhythmogenic Right Ventricular Cardiomyopathy (ARVC). Identifiers: Orphanet 247, MedGen C0349788, MeSH D019571, MONDO:0016587. Disease mechanism: loss of function. Inheritance: Various modes of inheritance.

Submission:

All of Us Research Program, National Institutes of Health
Classification: Uncertain significance for Arrhythmogenic right ventricular cardiomyopathy. Last evaluated: 2024-01-11. Review status: criteria provided, single submitter. Criteria: ACMG Guidelines, 2015. Collection method: clinical testing. Allele origin: germline. Inheritance: Autosomal dominant inheritance. Observed: 1 variant allele, 1 heterozygote.
Comment: This study involves interpretation of variants in research participants for the purpose of population health screening. Participant phenotype was not available at the time of variant classification. Additional details can be found in publication PMID: 35346344, PMCID: PMC8962531

NM_001005242.3(PKP2):c.721C>A (p.Leu241Ile)

Gene: PKP2 (plakophilin 2; minus strand). Cytogenetic location: 12p11.21.
Variant type: single nucleotide variant.
Coding change: c.721C>A on transcript NM_001005242.3 (MANE Select); coding-DNA position 721, C replaced by A.
Protein change: p.Leu241Ile; replaces leucine 241 with isoleucine.
Molecular consequence: missense variant.
Genome position (GRCh38, 1-based): chr12:32,878,159, G>T on the plus strand (C>A on the coding strand, the complement: PKP2 is on the minus strand). VCF-style: chr12-32878159-G-T. GRCh37 (hg19) VCF-style: chr12-33031093-G-T.
Other names: c.721C>A, p.Leu241Ile (NM_001407155.1, NM_001407156.1, NM_001407157.1 and 2 more transcripts); c.394C>A, p.Leu132Ile (NM_001407158.1, NM_001407159.1, NM_001407160.1 and 1 more transcripts); short protein forms L132I, L241I.
Identifiers: ClinVar variation 3074994 (VCV003074994.1), dbSNP rs2541340118, ClinGen allele CA384363007.